The following is an entry in ClinVar:

NM_001252024.2(TRPM1):c.84-3C>T

Gene: TRPM1 (transient receptor potential cation channel subfamily M member 1; minus strand). Cytogenetic location: 15q13.3.
Variant type: single nucleotide variant.
Coding change: c.84-3C>T on transcript NM_001252024.2 (MANE Select); 3 bases into the intron before coding-DNA position 84, C replaced by T.
Molecular consequence: intron variant.
Genome position (GRCh38, 1-based): chr15:31,070,229, G>A on the plus strand (C>T on the coding strand, the complement: TRPM1 is on the minus strand). VCF-style: chr15-31070229-G-A. GRCh37 (hg19) VCF-style: chr15-31362432-G-A.
Other names: c.135-3C>T (NM_001252020.2); c.18-3C>T (NM_002420.6, NM_001252030.2).
Identifiers: ClinVar variation 2124372 (VCV002124372.4), dbSNP rs751427833, ClinGen allele CA711978858.

ClinVar aggregate classification (germline): Uncertain significance (1 of 4 stars; one submission).

gnomAD v4.1: 4 of 1,612,730 alleles (0.00025%); highest among the groups gnomAD compares: African/African-American, 0.0053%; no homozygotes.

Submission:

Labcorp Genetics (formerly Invitae), Labcorp
Classification: Uncertain significance. Last evaluated: 2022-04-14. Review status: criteria provided, single submitter. Criteria: Invitae Variant Classification Sherloc (09022015). Collection method: clinical testing. Allele origin: germline.
Comment: In summary, the available evidence is currently insufficient to determine the role of this variant in disease. Therefore, it has been classified as a Variant of Uncertain Significance. Variants that disrupt the consensus splice site are a relatively common cause of aberrant splicing (PMID: 17576681, 9536098). Algorithms developed to predict the effect of sequence changes on RNA splicing suggest that this variant is not likely to affect RNA splicing. This variant has not been reported in the literature in individuals affected with TRPM1-related conditions. This variant is not present in population databases (gnomAD no frequency). This sequence change falls in intron 2 of the TRPM1 gene. It does not directly change the encoded amino acid sequence of the TRPM1 protein. It affects a nucleotide within the consensus splice site.

Literature cited by the submitters: PubMed 17576681; PubMed 9536098.